The following is an entry in ClinVar:

NM_017882.3(CLN6):c.17G>C (p.Arg6Thr)

Gene: CLN6 (CLN6 transmembrane ER protein; minus strand). Cytogenetic location: 15q23.
Variant type: single nucleotide variant.
Coding change: c.17G>C on transcript NM_017882.3 (MANE Select); coding-DNA position 17, G replaced by C.
Protein change: p.Arg6Thr; replaces arginine 6 with threonine.
Molecular consequence: missense variant.
Genome position (GRCh38, 1-based): chr15:68,229,568, C>G on the plus strand (G>C on the coding strand, the complement: CLN6 is on the minus strand). VCF-style: chr15-68229568-C-G. GRCh37 (hg19) VCF-style: chr15-68521906-C-G.
Other names: short protein forms R6T.
Identifiers: ClinVar variation 30602 (VCV000030602.4), dbSNP rs154774636, ClinGen allele CA259853.
Genomic context (GRCh38, chr15:68,229,568, plus strand): 5'-TGCAGGAAGGAGGCGCCCAGCTGCGCGCCTGGGCCGCCCGTCGCTCCCAGGTGCTGCCGC[C>G]TCCGCGTCGCCTCCATGGCTGCCCCGCAGGCCCCTCGGCCCTGCCTTTCCGAGGAAGAGA-3'
Protein context (NP_060352.1, residues 1-16): MEATR[Arg6Thr]RQHLGATGGP

ClinVar aggregate classification (germline): Pathogenic. Review status: no assertion criteria provided (0 of 4 stars). 2 submissions from 2 submitters: Pathogenic (1). 1 of the submissions does not count toward it. Last evaluated 2011-05-13.

Conditions:
Ceroid lipofuscinosis, neuronal, 6B (Kufs type). Also called: Neuronal ceroid lipofuscinosis 4A. Identifiers: Orphanet 700477, MedGen C5561927, MONDO:0008768, OMIM 204300.

Allele frequency attached by ClinVar (database versions not stated): gnomAD exomes 0.00001.
gnomAD v4.1: 3 of 1,467,568 alleles (0.0002%); highest among the groups gnomAD compares: Non-Finnish European, 0.00027%; no homozygotes.

Submissions (2):

OMIM
Classification: Pathogenic for CEROID LIPOFUSCINOSIS, NEURONAL, 6B (KUFS TYPE). Last evaluated: 2011-05-13. Review status: no assertion criteria provided. Collection method: literature only. Allele origin: germline.

SNPedia
No classification provided. Review status: no classification provided. Collection method: not provided. Allele origin: germline. Not counted in ClinVar's aggregate classification.
Comment: Kufs Type A disease

Literature cited by the submitters: PubMed 3284607 (cited by OMIM); PubMed 21549341 (cited by OMIM).